The following is an entry in ClinVar:

ClinVar aggregate classification (germline): Likely benign. Review status: criteria provided, multiple submitters, no conflicts (2 of 4 stars). 4 submissions from 4 submitters: Likely benign (3). 1 of the submissions does not count toward it. Last evaluated 2026-01-06.

Conditions:
Dyskeratosis congenita, autosomal recessive 5 (DKCB5). Identifiers: MedGen C3554656, MONDO:0014076, OMIM 615190.
Pulmonary fibrosis and/or bone marrow failure, Telomere-related, 3. Also called: PULMONARY FIBROSIS AND/OR BONE MARROW FAILURE SYNDROME, TELOMERE-RELATED, 3. Identifiers: Orphanet 2032, MedGen C4225346, MONDO:0014613, OMIM 616373.
Dyskeratosis congenita. Identifiers: Orphanet 1775, MedGen C0265965, MONDO:0015780.

Allele frequency attached by ClinVar (database versions not stated): TOPMed 0.00010.
gnomAD v4.1: 110 of 1,612,458 alleles (0.0068%); highest among the groups gnomAD compares: Non-Finnish European, 0.0086%; 1 homozygote.

Submissions (4):

Labcorp Genetics (formerly Invitae), Labcorp
Classification: Likely benign for Dyskeratosis congenita, autosomal recessive 5; Pulmonary fibrosis and/or bone marrow failure, Telomere-related, 3. Last evaluated: 2026-01-06. Review status: criteria provided, single submitter. Criteria: Invitae Variant Classification Sherloc (09022015). Collection method: clinical testing. Allele origin: germline.

CeGaT Center for Human Genetics Tuebingen
Classification: Likely benign. Last evaluated: 2025-09-01. Review status: criteria provided, single submitter. Criteria: CeGaT Center For Human Genetics Tuebingen Variant Classification Criteria Version 2. Collection method: clinical testing. Allele origin: germline. Affected: yes. Observed: 1 variant allele.
Comment: RTEL1: BP4, BP7

Sema4
Classification: Likely benign for Dyskeratosis congenita. Last evaluated: 2021-07-23. Review status: criteria provided, single submitter. Criteria: Sema4 Curation Guidelines. Collection method: curation. Allele origin: germline.

Natera, Inc.
Classification: Uncertain significance for Dyskeratosis congenita. Last evaluated: 2020-01-24. Review status: no assertion criteria provided. Collection method: clinical testing. Allele origin: germline. Not counted in ClinVar's aggregate classification.

NM_001283009.2(RTEL1):c.900C>T (p.Ser300=)

Genes: RTEL1 (regulator of telomere elongation helicase 1; plus strand), RTEL1-TNFRSF6B (RTEL1-TNFRSF6B readthrough (NMD candidate); plus strand). Cytogenetic location: 20q13.33.
Variant type: single nucleotide variant.
Coding change: c.900C>T on transcript NM_001283009.2 (MANE Select); coding-DNA position 900, C replaced by T.
Protein change: p.Ser300=; no amino-acid change (serine 300 retained).
Molecular consequence: synonymous variant. On other transcripts: non-coding transcript variant (1).
Genome position (GRCh38, 1-based): chr20:63,674,074, C>T. VCF-style: chr20-63674074-C-T. GRCh37 (hg19) VCF-style: chr20-62305427-C-T.
Other names: c.231C>T, p.Ser77= (NM_001283010.1); c.900C>T, p.Ser300= (NM_016434.4); c.972C>T, p.Ser324= (NM_032957.5).
Identifiers: ClinVar variation 766054 (VCV000766054.19), dbSNP rs146100165, ClinGen allele CA9964477.